The following is an entry in ClinVar:

NM_000179.3(MSH6):c.1281C>G (p.Tyr427Ter)

Gene: MSH6 (mutS homolog 6; plus strand). Cytogenetic location: 2p16.3.
Variant type: single nucleotide variant.
Coding change: c.1281C>G on transcript NM_000179.3 (MANE Select); coding-DNA position 1281, C replaced by G.
Protein change: p.Tyr427Ter; replaces tyrosine 427 with a stop codon.
Molecular consequence: nonsense.
Genome position (GRCh38, 1-based): chr2:47,799,264, C>G. VCF-style: chr2-47799264-C-G. GRCh37 (hg19) VCF-style: chr2-48026403-C-G.
Other names: c.891C>G, p.Tyr297Ter (NM_001281492.2); c.375C>G, p.Tyr125Ter (NM_001281493.2, NM_001281494.2); short protein forms Y297*, Y427*, Y125*.
Identifiers: ClinVar variation 658935 (VCV000658935.8), dbSNP rs1553412720, ClinGen allele CA346744122.

ClinVar aggregate classification (germline): Pathogenic. Review status: criteria provided, multiple submitters, no conflicts (2 of 4 stars). 2 submissions from 2 submitters: Pathogenic (2). Last evaluated 2023-08-28.

Conditions:
Hereditary nonpolyposis colorectal neoplasms. Identifiers: MedGen C0009405, MeSH D003123.
Lynch syndrome 5 (LYNCH5). Also called: Colorectal cancer, hereditary nonpolyposis, type 5; Hereditary non-polyposis colorectal cancer, type 5. Identifiers: Orphanet 144, MedGen C1833477, MONDO:0013710, OMIM 614350. Disease mechanism: loss of function.

Submissions (2):

Labcorp Genetics (formerly Invitae), Labcorp
Classification: Pathogenic for Hereditary nonpolyposis colorectal neoplasms. Last evaluated: 2023-08-28. Review status: criteria provided, single submitter. Criteria: Invitae Variant Classification Sherloc (09022015). Collection method: clinical testing. Allele origin: germline.
Comment: For these reasons, this variant has been classified as Pathogenic. ClinVar contains an entry for this variant (Variation ID: 658935). This variant has not been reported in the literature in individuals affected with MSH6-related conditions. This variant is not present in population databases (gnomAD no frequency). This sequence change creates a premature translational stop signal (p.Tyr427*) in the MSH6 gene. It is expected to result in an absent or disrupted protein product. Loss-of-function variants in MSH6 are known to be pathogenic (PMID: 18269114, 24362816).

Myriad Genetics, Inc.
Classification: Pathogenic for Lynch syndrome 5. Last evaluated: 2023-08-11. Review status: criteria provided, single submitter. Criteria: Myriad Autosomal Dominant, Autosomal Recessive and X-Linked Classification Criteria (2023). Collection method: clinical testing. Allele origin: unknown.
Comment: This variant is considered pathogenic. This variant creates a termination codon and is predicted to result in premature protein truncation.

Literature cited by the submitters: PubMed 18269114 (cited by Labcorp Genetics (formerly Invitae), Labcorp); PubMed 24362816 (cited by Labcorp Genetics (formerly Invitae), Labcorp).